The following is an entry in ClinVar:

ClinVar aggregate classification (germline): Conflicting classifications of pathogenicity. Review status: criteria provided, conflicting classifications (1 of 4 stars). 3 submissions from 3 submitters: Uncertain significance (2); Likely benign (1). Last evaluated 2025-02-12.

Conditions:
Inborn genetic diseases. Identifiers: MedGen C0950123, MeSH D030342.

Allele frequency attached by ClinVar (database versions not stated): 1000 Genomes Project 0.00020; ESP Exome Variant Server 0.00023; 1000 Genomes Project 30x 0.00031; TOPMed 0.00031; gnomAD 0.00032 and 0.00034; gnomAD exomes 0.00041 and 0.00042; ExAC 0.00055.
gnomAD v4.1: 612 of 1,570,340 alleles (0.039%); highest among the groups gnomAD compares: Non-Finnish European, 0.051%; no homozygotes.

Submissions (3):

Ambry Genetics
Classification: Uncertain significance for Inborn genetic diseases. Last evaluated: 2025-02-12. Review status: criteria provided, single submitter. Criteria: Ambry Variant Classification Scheme 2023. Collection method: clinical testing. Allele origin: germline.

Blueprint Genetics
Classification: Likely benign. Last evaluated: 2024-11-08. Review status: criteria provided, single submitter. Criteria: ACMG Guidelines, 2015. Collection method: clinical testing. Allele origin: germline.

Labcorp Genetics (formerly Invitae), Labcorp
Classification: Uncertain significance. Last evaluated: 2022-10-17. Review status: criteria provided, single submitter. Criteria: Invitae Variant Classification Sherloc (09022015). Collection method: clinical testing. Allele origin: germline.
Comment: This sequence change replaces threonine, which is neutral and polar, with isoleucine, which is neutral and non-polar, at codon 508 of the ARHGEF18 protein (p.Thr508Ile). This variant is present in population databases (rs118024425, gnomAD 0.08%). This variant has not been reported in the literature in individuals affected with ARHGEF18-related conditions. ClinVar contains an entry for this variant (Variation ID: 861339). Algorithms developed to predict the effect of missense changes on protein structure and function are either unavailable or do not agree on the potential impact of this missense change (SIFT: "Deleterious"; PolyPhen-2: "Possibly Damaging"; Align-GVGD: "Class C15"). In summary, the available evidence is currently insufficient to determine the role of this variant in disease. Therefore, it has been classified as a Variant of Uncertain Significance.

NM_001367823.1(ARHGEF18):c.2087C>T (p.Thr696Ile)

Gene: ARHGEF18 (Rho/Rac guanine nucleotide exchange factor 18; plus strand). Cytogenetic location: 19p13.2.
Variant type: single nucleotide variant.
Coding change: c.2087C>T on transcript NM_001367823.1 (MANE Select); coding-DNA position 2087, C replaced by T.
Protein change: p.Thr696Ile; replaces threonine 696 with isoleucine.
Molecular consequence: missense variant.
Genome position (GRCh38, 1-based): chr19:7,453,698, C>T. VCF-style: chr19-7453698-C-T. GRCh37 (hg19) VCF-style: chr19-7518584-C-T.
Other names: c.1361C>T, p.Thr454Ile (NM_001130955.2); c.1049C>T, p.Thr350Ile (NM_001367824.1, NM_015318.4); short protein forms T350I, T454I, T696I.
Identifiers: ClinVar variation 861339 (VCV000861339.8), dbSNP rs118024425, ClinGen allele CA9136702.
Genomic context (GRCh38, chr19:7,453,698, plus strand): 5'-GCAAGGAAGACATGCTTCAGCGGCAGCTCCACCTGGAGGGCATGCTATGCTGGAAGACCA[C>T]ATCAGGGCGCTTGAAAGGTAAAGGCCTGCCCCTGCCCACCTCTAGTGGGTGCCATCTTGG-3'
Protein context (NP_001354752.1, residues 686-706): HLEGMLCWKT[Thr696Ile]SGRLKDILAI